The following is an entry in ClinVar:

ClinVar aggregate classification (germline): Uncertain significance (1 of 4 stars; one submission).

gnomAD v4.1: 1 of 1,613,642 alleles (0.000062%); highest among the groups gnomAD compares: Non-Finnish European, 0.000085%; no homozygotes.

Submission:

Labcorp Genetics (formerly Invitae), Labcorp
Classification: Uncertain significance. Last evaluated: 2025-10-08. Review status: criteria provided, single submitter. Criteria: Invitae Variant Classification Sherloc (09022015). Collection method: clinical testing. Allele origin: germline.
Comment: This sequence change replaces arginine, which is basic and polar, with glycine, which is neutral and non-polar, at codon 593 of the ABL1 protein (p.Arg593Gly). This variant is not present in population databases (gnomAD no frequency). This variant has not been reported in the literature in individuals affected with ABL1-related conditions. Invitae Evidence Modeling of protein sequence and biophysical properties (such as structural, functional, and spatial information, amino acid conservation, physicochemical variation, residue mobility, and thermodynamic stability) indicates that this missense variant is not expected to disrupt ABL1 protein function with a negative predictive value of 95%. In summary, the available evidence is currently insufficient to determine the role of this variant in disease. Therefore, it has been classified as a Variant of Uncertain Significance.

NM_005157.6(ABL1):c.1720C>G (p.Arg574Gly)

Gene: ABL1 (ABL proto-oncogene 1, non-receptor tyrosine kinase; plus strand). Cytogenetic location: 9q34.12.
Variant type: single nucleotide variant.
Coding change: c.1720C>G on transcript NM_005157.6 (MANE Select); coding-DNA position 1720, C replaced by G.
Protein change: p.Arg574Gly; replaces arginine 574 with glycine.
Molecular consequence: missense variant.
Genome position (GRCh38, 1-based): chr9:130,884,010, C>G. VCF-style: chr9-130884010-C-G. GRCh37 (hg19) VCF-style: chr9-133759397-C-G.
Other names: c.1777C>G, p.Arg593Gly (NM_007313.3); short protein forms R574G, R593G.
Identifiers: ClinVar variation 4801862 (VCV004801862.1).